The following is an entry in ClinVar:

NM_024577.4(SH3TC2):c.2913C>T (p.Ser971=)

Gene: SH3TC2 (SH3 domain and tetratricopeptide repeats 2; minus strand). Cytogenetic location: 5q32.
Variant type: single nucleotide variant.
Coding change: c.2913C>T on transcript NM_024577.4 (MANE Select); coding-DNA position 2913, C replaced by T.
Protein change: p.Ser971=; no amino-acid change (serine 971 retained).
Molecular consequence: synonymous variant.
Genome position (GRCh38, 1-based): chr5:149,026,712, G>A on the plus strand (C>T on the coding strand, the complement: SH3TC2 is on the minus strand). VCF-style: chr5-149026712-G-A. GRCh37 (hg19) VCF-style: chr5-148406275-G-A.
Identifiers: ClinVar variation 351902 (VCV000351902.27), dbSNP rs13436308, ClinGen allele CA3498896.

ClinVar aggregate classification (germline): Benign/Likely benign. Review status: criteria provided, multiple submitters, no conflicts (2 of 4 stars). 8 submissions from 7 submitters: Benign (5); Likely benign (3). Last evaluated 2026-01-28.

Conditions:
Inborn genetic diseases. Identifiers: MedGen C0950123, MeSH D030342.
Susceptibility to mononeuropathy of the median nerve, mild. Also called: CARPAL TUNNEL SYNDROME, SUSCEPTIBILITY TO. Identifiers: MedGen C3150596, MONDO:0013237, OMIM 613353.
Charcot-Marie-Tooth disease. Also called: Charcot-Marie-Tooth Neuropathy; Charcot-Marie-Tooth Hereditary Neuropathy. Identifiers: Orphanet 166, MedGen C0007959, MONDO:0015626.
Charcot-Marie-Tooth disease type 4. Also called: Charcot-Marie-Tooth, Type 4; Charcot-Marie-Tooth disease, type IV. Identifiers: Orphanet 64749, MedGen C4082197, MONDO:0018995.
Charcot-Marie-Tooth disease type 4C (CMT4C). Also called: CHARCOT-MARIE-TOOTH DISEASE, DEMYELINATING, AUTOSOMAL RECESSIVE, TYPE 4C; CMT 4C; Charcot-Marie-Tooth Neuropathy Type 4C (CMT4C); CHARCOT-MARIE-TOOTH DISEASE, DEMYELINATING, TYPE 4C; SH3TC2-Related Hereditary Motor and Sensory Neuropathy. Identifiers: Orphanet 99949, MedGen C1866636, MONDO:0011113, OMIM 601596.

Allele frequency attached by ClinVar (database versions not stated): gnomAD exomes 0.00036 and 0.00114; ExAC 0.00149; 1000 Genomes Project 0.00419; gnomAD 0.00435 and 0.00462; TOPMed 0.00447; ESP Exome Variant Server 0.00477; 1000 Genomes Project 30x 0.00500.
gnomAD v4.1: 1,217 of 1,614,186 alleles (0.075%); highest among the groups gnomAD compares: African/African-American, 1.4%; 12 homozygotes.

Submissions (8):

Labcorp Genetics (formerly Invitae), Labcorp
Classification: Benign for Charcot-Marie-Tooth disease type 4. Last evaluated: 2026-01-28. Review status: criteria provided, single submitter. Criteria: Invitae Variant Classification Sherloc (09022015). Collection method: clinical testing. Allele origin: germline.

ARUP Laboratories, Molecular Genetics and Genomics, ARUP Laboratories
Classification: Benign. Last evaluated: 2020-12-12. Review status: criteria provided, single submitter. Criteria: ARUP Molecular Germline Variant Investigation Process 2021. Collection method: clinical testing. Allele origin: germline.

Ambry Genetics
Classification: Likely benign for Inborn genetic diseases. Last evaluated: 2019-07-11. Review status: criteria provided, single submitter. Criteria: Ambry Variant Classification Scheme 2023. Collection method: clinical testing. Allele origin: germline.

GeneDx
Classification: Benign. Last evaluated: 2019-02-27. Review status: criteria provided, single submitter. Criteria: GeneDx Variant Classification Process June 2021. Collection method: clinical testing. Allele origin: germline. Affected: yes.

Illumina Laboratory Services, Illumina
Classification: Benign for Charcot-Marie-Tooth disease type 4C. Last evaluated: 2018-01-13. Review status: criteria provided, single submitter. Criteria: ICSL Variant Classification Criteria 13 December 2019. Collection method: clinical testing. Allele origin: germline.
Comment: This variant was observed in the ICSL laboratory as part of a predisposition screen in an ostensibly healthy population. It had not been previously curated by ICSL or reported in the Human Gene Mutation Database (HGMD: prior to June 1st, 2018), and was therefore a candidate for classification through an automated scoring system. Utilizing variant allele frequency, disease prevalence and penetrance estimates, and inheritance mode, an automated score was calculated to assess if this variant is too frequent to cause the disease. Based on the score and internal cut-off values, a variant classified as benign is not then subjected to further curation. The score for this variant resulted in a classification of benign for this disease.

Illumina Laboratory Services, Illumina
Classification: Benign for Susceptibility to mononeuropathy of the median nerve, mild. Last evaluated: 2018-01-13. Review status: criteria provided, single submitter. Criteria: ICSL Variant Classification Criteria 13 December 2019. Collection method: clinical testing. Allele origin: germline.
Comment: the same text as in the submission from Illumina Laboratory Services, Illumina above.

Breakthrough Genomics
Classification: Likely benign. Review status: criteria provided, single submitter. Criteria: ACMG Guidelines, 2015. Collection method: not provided. Allele origin: germline. Inheritance: Autosomal recessive inheritance. Affected: yes.

Molecular Genetics Laboratory, London Health Sciences Centre
Classification: Likely benign for Charcot-Marie-Tooth disease. Review status: criteria provided, single submitter. Criteria: ACMG Guidelines, 2015. Collection method: clinical testing. Allele origin: germline. Affected: yes.